The following is an entry in ClinVar:

NM_003630.3(PEX3):c.472C>T (p.Pro158Ser)

Gene: PEX3 (peroxisomal biogenesis factor 3; plus strand). Cytogenetic location: 6q24.2.
Variant type: single nucleotide variant.
Coding change: c.472C>T on transcript NM_003630.3 (MANE Select); coding-DNA position 472, C replaced by T.
Protein change: p.Pro158Ser; replaces proline 158 with serine.
Molecular consequence: missense variant.
Genome position (GRCh38, 1-based): chr6:143,471,398, C>T. VCF-style: chr6-143471398-C-T. GRCh37 (hg19) VCF-style: chr6-143792535-C-T.
Other names: short protein forms P158S.
Identifiers: ClinVar variation 2071738 (VCV002071738.4), dbSNP rs1780071841, ClinGen allele CA365910492.

ClinVar aggregate classification (germline): Uncertain significance (1 of 4 stars; one submission).

Submission:

Labcorp Genetics (formerly Invitae), Labcorp
Classification: Uncertain significance. Last evaluated: 2022-04-22. Review status: criteria provided, single submitter. Criteria: Invitae Variant Classification Sherloc (09022015). Collection method: clinical testing. Allele origin: germline.
Comment: This sequence change replaces proline, which is neutral and non-polar, with serine, which is neutral and polar, at codon 158 of the PEX3 protein (p.Pro158Ser). This variant is not present in population databases (gnomAD no frequency). In summary, the available evidence is currently insufficient to determine the role of this variant in disease. Therefore, it has been classified as a Variant of Uncertain Significance. Algorithms developed to predict the effect of missense changes on protein structure and function (SIFT, PolyPhen-2, Align-GVGD) all suggest that this variant is likely to be tolerated. This variant has not been reported in the literature in individuals affected with PEX3-related conditions.